The following is an entry in ClinVar:

ClinVar aggregate classification (germline): Uncertain significance (1 of 4 stars; one submission).

Conditions:
Niemann-Pick disease, type C1. Also called: NEUROVISCERAL STORAGE DISEASE WITH VERTICAL SUPRANUCLEAR OPHTHALMOPLEGIA; NIEMANN-PICK DISEASE WITH CHOLESTEROL ESTERIFICATION BLOCK; NIEMANN-PICK DISEASE WITHOUT SPHINGOMYELINASE DEFICIENCY; NIEMANN-PICK DISEASE, CHRONIC NEURONOPATHIC FORM; NIEMANN-PICK DISEASE, VARIANT TYPE C1. Identifiers: Orphanet 646, MedGen C3179455, MONDO:0009757, OMIM 257220.

Allele frequency attached by ClinVar (database versions not stated): gnomAD exomes 0.00001.
gnomAD v4.1: 8 of 1,614,172 alleles (0.0005%); highest among the groups gnomAD compares: East Asian, 0.018%; no homozygotes.

Submission:

Labcorp Genetics (formerly Invitae), Labcorp
Classification: Uncertain significance for Niemann-Pick disease, type C1. Last evaluated: 2021-08-24. Review status: criteria provided, single submitter. Criteria: Invitae Variant Classification Sherloc (09022015). Collection method: clinical testing. Allele origin: germline.
Comment: This sequence change replaces leucine with valine at codon 495 of the NPC1 protein (p.Leu495Val). The leucine residue is highly conserved and there is a small physicochemical difference between leucine and valine. This variant is not present in population databases (ExAC no frequency). This variant has not been reported in the literature in individuals affected with NPC1-related conditions. Advanced modeling of protein sequence and biophysical properties (such as structural, functional, and spatial information, amino acid conservation, physicochemical variation, residue mobility, and thermodynamic stability) performed at Invitae indicates that this missense variant is expected to disrupt NPC1 protein function. In summary, the available evidence is currently insufficient to determine the role of this variant in disease. Therefore, it has been classified as a Variant of Uncertain Significance.

NM_000271.5(NPC1):c.1483C>G (p.Leu495Val)

Gene: NPC1 (NPC intracellular cholesterol transporter 1; minus strand). Cytogenetic location: 18q11.2.
Variant type: single nucleotide variant.
Coding change: c.1483C>G on transcript NM_000271.5 (MANE Select); coding-DNA position 1483, C replaced by G.
Protein change: p.Leu495Val; replaces leucine 495 with valine.
Molecular consequence: missense variant.
Genome position (GRCh38, 1-based): chr18:23,554,828, G>C on the plus strand (C>G on the coding strand, the complement: NPC1 is on the minus strand). VCF-style: chr18-23554828-G-C. GRCh37 (hg19) VCF-style: chr18-21134792-G-C.
Other names: short protein forms L495V.
Identifiers: ClinVar variation 1361058 (VCV001361058.5), dbSNP rs1598973224, ClinGen allele CA401775576.